The following is an entry in ClinVar:

ClinVar aggregate classification (germline): Benign (0 of 4 stars; one submission).

Conditions:
DIPK2B-related disorder. Also called: DIPK2B-related condition.

Allele frequency attached by ClinVar (database versions not stated): ESP Exome Variant Server 0.00019; TOPMed 0.00021; gnomAD 0.00051; gnomAD exomes 0.00092; 1000 Genomes Project 30x 0.00125; 1000 Genomes Project 0.00132; ExAC 0.00175.
gnomAD v4.1: 1,071 of 1,210,312 alleles (0.088%); highest among the groups gnomAD compares: South Asian, 1.2%; 6 homozygotes.

Submission:

PreventionGenetics, part of Exact Sciences
Classification: Benign for DIPK2B-related condition. Last evaluated: 2019-10-10. Review status: no assertion criteria provided. Collection method: clinical testing. Allele origin: germline.
Comment: This variant is classified as benign based on ACMG/AMP sequence variant interpretation guidelines (Richards et al. 2015 PMID: 25741868, with internal and published modifications).

NM_176819.4(DIPK2B):c.313T>C (p.Ser105Pro)

Gene: DIPK2B (divergent protein kinase domain 2B; minus strand). Cytogenetic location: Xp11.3.
Variant type: single nucleotide variant.
Coding change: c.313T>C on transcript NM_176819.4 (MANE Select); coding-DNA position 313, T replaced by C.
Protein change: p.Ser105Pro; replaces serine 105 with proline.
Molecular consequence: missense variant.
Genome position (GRCh38, 1-based): chrX:45,191,936, A>G on the plus strand (T>C on the coding strand, the complement: DIPK2B is on the minus strand). VCF-style: chrX-45191936-A-G. GRCh37 (hg19) VCF-style: chrX-45051181-A-G.
Other names: c.313T>C, p.Ser105Pro (NM_024689.3); short protein forms S105P.
Identifiers: ClinVar variation 3046016 (VCV003046016.2), dbSNP rs200347329, ClinGen allele CA10393044.